The following is an entry in ClinVar:

ClinVar aggregate classification (germline): Uncertain significance. Review status: criteria provided, multiple submitters, no conflicts (2 of 4 stars). 2 submissions from 2 submitters: Uncertain significance (2). Last evaluated 2025-01-17.

Conditions:
Inborn genetic diseases. Identifiers: MedGen C0950123, MeSH D030342.

Allele frequency attached by ClinVar (database versions not stated): ExAC 0.00001.
gnomAD v4.1: 9 of 1,613,322 alleles (0.00056%); highest among the groups gnomAD compares: African/African-American, 0.0013%; no homozygotes.

Submissions (2):

Ambry Genetics
Classification: Uncertain significance for Inborn genetic diseases. Last evaluated: 2025-01-17. Review status: criteria provided, single submitter. Criteria: Ambry Variant Classification Scheme 2023. Collection method: clinical testing. Allele origin: germline.

Labcorp Genetics (formerly Invitae), Labcorp
Classification: Uncertain significance. Last evaluated: 2022-06-04. Review status: criteria provided, single submitter. Criteria: Invitae Variant Classification Sherloc (09022015). Collection method: clinical testing. Allele origin: germline.
Comment: In summary, the available evidence is currently insufficient to determine the role of this variant in disease. Therefore, it has been classified as a Variant of Uncertain Significance. Algorithms developed to predict the effect of missense changes on protein structure and function are either unavailable or do not agree on the potential impact of this missense change (SIFT: "Deleterious"; PolyPhen-2: "Benign"; Align-GVGD: "Class C15"). This variant has not been reported in the literature in individuals affected with PKDCC-related conditions. This variant is present in population databases (rs776650479, gnomAD 0.002%). This sequence change replaces serine, which is neutral and polar, with arginine, which is basic and polar, at codon 405 of the PKDCC protein (p.Ser405Arg).

NM_138370.3(PKDCC):c.1213A>C (p.Ser405Arg)

Gene: PKDCC (protein kinase domain containing, cytoplasmic; plus strand). Cytogenetic location: 2p21.
Variant type: single nucleotide variant.
Coding change: c.1213A>C on transcript NM_138370.3 (MANE Select); coding-DNA position 1213, A replaced by C.
Protein change: p.Ser405Arg; replaces serine 405 with arginine.
Molecular consequence: missense variant.
Genome position (GRCh38, 1-based): chr2:42,055,384, A>C. VCF-style: chr2-42055384-A-C. GRCh37 (hg19) VCF-style: chr2-42282524-A-C.
Other names: c.1213A>C (NM_138370.2); short protein forms S405R.
Identifiers: ClinVar variation 1984402 (VCV001984402.5), dbSNP rs776650479, ClinGen allele CA1628174.
Genomic context (GRCh38, chr2:42,055,384, plus strand): 5'-CTGGAGAAGGTGCTGCACCTGTACCGGAGCGGGCAGTATCTGCAGAACTCCACGGCAAGC[A>C]GCAGTACCGGTGAGTGGCCCCAAGCTGATCCACAGGGAAGCAAGAAACAGGTGGGAGGGT-3'
Protein context (NP_612379.2, residues 395-415): GQYLQNSTAS[Ser405Arg]STEYQCIPDS